The following is an entry in ClinVar:

ClinVar aggregate classification (germline): Conflicting classifications of pathogenicity. Review status: criteria provided, conflicting classifications (1 of 4 stars). 6 submissions from 6 submitters: Uncertain significance (2); Benign (1); Likely benign (2). 1 of the submissions does not count toward it. Last evaluated 2025-10-08.

Conditions:
Inborn genetic diseases. Identifiers: MedGen C0950123, MeSH D030342.
Ellis-van Creveld syndrome (EVC). Also called: Chondroectodermal dysplasia; MESOECTODERMAL DYSPLASIA. Identifiers: Orphanet 289, MedGen C0013903, MONDO:0009162, OMIM 225500.
Curry-Hall syndrome (WAD). Also called: WEYERS ACRODENTAL DYSOSTOSIS. Identifiers: Orphanet 952, MedGen C0457013, MONDO:0008673, OMIM 193530.

Allele frequency attached by ClinVar (database versions not stated): gnomAD exomes 0.00008 and 0.00023; ExAC 0.00027; gnomAD 0.00086 and 0.00093; TOPMed 0.00088; ESP Exome Variant Server 0.00108; 1000 Genomes Project 0.00160; 1000 Genomes Project 30x 0.00187.
gnomAD v4.1: 263 of 1,614,214 alleles (0.016%); highest among the groups gnomAD compares: African/African-American, 0.29%; 1 homozygote.

Submissions (6):

Labcorp Genetics (formerly Invitae), Labcorp
Classification: Benign for Curry-Hall syndrome; Ellis-van Creveld syndrome. Last evaluated: 2025-10-08. Review status: criteria provided, single submitter. Criteria: Invitae Variant Classification Sherloc (09022015). Collection method: clinical testing. Allele origin: germline.

Ambry Genetics
Classification: Uncertain significance for Inborn genetic diseases. Last evaluated: 2025-10-02. Review status: criteria provided, single submitter. Criteria: Ambry Variant Classification Scheme 2023. Collection method: clinical testing. Allele origin: germline.

ARUP Laboratories, Molecular Genetics and Genomics, ARUP Laboratories
Classification: Likely benign. Last evaluated: 2025-07-02. Review status: criteria provided, single submitter. Criteria: ARUP Molecular Germline Variant Investigation Process 2024. Collection method: clinical testing. Allele origin: germline.

Blueprint Genetics
Classification: Likely benign. Last evaluated: 2024-03-28. Review status: criteria provided, single submitter. Criteria: ACMG Guidelines, 2015. Collection method: clinical testing. Allele origin: germline.

GeneDx
Classification: Uncertain significance. Last evaluated: 2021-10-14. Review status: criteria provided, single submitter. Criteria: GeneDx Variant Classification Process June 2021. Collection method: clinical testing. Allele origin: germline. Affected: yes.
Comment: In silico analysis supports that this missense variant does not alter protein structure/function; Has not been previously published as pathogenic or benign to our knowledge

Natera, Inc.
Classification: Uncertain significance for Ellis-van Creveld syndrome. Last evaluated: 2019-11-22. Review status: no assertion criteria provided. Collection method: clinical testing. Allele origin: germline. Not counted in ClinVar's aggregate classification.

NM_153717.3(EVC):c.2707A>G (p.Ile903Val)

Gene: EVC (EvC ciliary complex subunit 1; plus strand). Cytogenetic location: 4p16.2.
Variant type: single nucleotide variant.
Coding change: c.2707A>G on transcript NM_153717.3 (MANE Select); coding-DNA position 2707, A replaced by G.
Protein change: p.Ile903Val; replaces isoleucine 903 with valine.
Molecular consequence: missense variant.
Genome position (GRCh38, 1-based): chr4:5,809,536, A>G. VCF-style: chr4-5809536-A-G. GRCh37 (hg19) VCF-style: chr4-5811263-A-G.
Other names: c.2707A>G, p.Ile903Val (NM_001306090.2); short protein forms I903V.
Identifiers: ClinVar variation 707590 (VCV000707590.25), dbSNP rs143678893, ClinGen allele CA2836664.